The following is an entry in ClinVar:

ClinVar aggregate classification (germline): Uncertain significance. Review status: criteria provided, multiple submitters, no conflicts (2 of 4 stars). 2 submissions from 2 submitters: Uncertain significance (2). Last evaluated 2025-12-10.

Conditions:
Emery-Dreifuss muscular dystrophy 4, autosomal dominant (EDMD4). Also called: EMERY-DREIFUSS MUSCULAR DYSTROPHY 4 WITH VARIABLE FEATURES. Identifiers: Orphanet 261, MedGen C2751807, MONDO:0013071, OMIM 612998.
Autosomal recessive ataxia, Beauce type. Also called: ATAXIA, RECESSIVE, OF BEAUCE; SYNE1 Deficiency; Spinocerebellar ataxia, autosomal recessive 8; SYNE1-Related Autosomal Recessive Cerebellar Ataxia. Identifiers: Orphanet 88644, MedGen C1853116, MONDO:0012549, OMIM 610743.

Allele frequency attached by ClinVar (database versions not stated): gnomAD exomes below 0.00001; TOPMed below 0.00001.
gnomAD v4.1: 4 of 1,614,126 alleles (0.00025%); highest among the groups gnomAD compares: Non-Finnish European, 0.00034%; no homozygotes.

Submissions (2):

Labcorp Genetics (formerly Invitae), Labcorp
Classification: Uncertain significance for Emery-Dreifuss muscular dystrophy 4, autosomal dominant; Autosomal recessive ataxia, Beauce type. Last evaluated: 2025-12-10. Review status: criteria provided, single submitter. Criteria: Invitae Variant Classification Sherloc (09022015). Collection method: clinical testing. Allele origin: germline.
Comment: This sequence change replaces lysine, which is basic and polar, with glutamic acid, which is acidic and polar, at codon 6102 of the SYNE1 protein (p.Lys6102Glu). This variant is not present in population databases (gnomAD no frequency). This variant has not been reported in the literature in individuals affected with SYNE1-related conditions. ClinVar contains an entry for this variant (Variation ID: 2436654). An algorithm developed to predict the effect of missense changes on protein structure and function (PolyPhen-2) suggests that this variant is likely to be disruptive. In summary, the available evidence is currently insufficient to determine the role of this variant in disease. Therefore, it has been classified as a Variant of Uncertain Significance.

Revvity Omics, Revvity
Classification: Uncertain significance. Last evaluated: 2020-11-02. Review status: criteria provided, single submitter. Criteria: ACMG Guidelines, 2015. Collection method: clinical testing. Allele origin: germline.

NM_182961.4(SYNE1):c.18517A>G (p.Lys6173Glu)

Gene: SYNE1 (spectrin repeat containing nuclear envelope protein 1; minus strand). Cytogenetic location: 6q25.2.
Variant type: single nucleotide variant.
Coding change: c.18517A>G on transcript NM_182961.4 (MANE Select); coding-DNA position 18517, A replaced by G.
Protein change: p.Lys6173Glu; replaces lysine 6173 with glutamic acid.
Molecular consequence: missense variant.
Genome position (GRCh38, 1-based): chr6:152,278,145, T>C on the plus strand (A>G on the coding strand, the complement: SYNE1 is on the minus strand). VCF-style: chr6-152278145-T-C. GRCh37 (hg19) VCF-style: chr6-152599280-T-C.
Other names: c.18304A>G, p.Lys6102Glu (NM_033071.5); short protein forms K6102E, K6173E.
Identifiers: ClinVar variation 2436654 (VCV002436654.4), dbSNP rs1232761468, ClinGen allele CA366094626.